The following is an entry in ClinVar:

ClinVar aggregate classification (germline): Uncertain significance (1 of 4 stars; one submission).

Conditions:
Hereditary cancer-predisposing syndrome. Also called: Neoplastic Syndromes, Hereditary; Tumor predisposition; Hereditary Cancer Syndrome; Hereditary neoplastic syndrome. Identifiers: Orphanet 140162, MedGen C0027672, MeSH D009386, MONDO:0015356.

Submission:

Ambry Genetics
Classification: Uncertain significance for Hereditary cancer-predisposing syndrome. Last evaluated: 2025-12-17. Review status: criteria provided, single submitter. Criteria: Ambry Variant Classification Scheme 2023. Collection method: clinical testing. Allele origin: germline.
Comment: The c.1649_1650delAAinsCT variant (also known as p.Q550P), located in coding exon 13 of the TSC1 gene, results from an in-frame deletion of AA and insertion of CT at nucleotide positions 1649 to 1650. This results in the substitution of the glutamine residue for a proline residue at codon 550, an amino acid with similar properties. This amino acid position is highly conserved in available vertebrate species. In addition, the in silico prediction for this alteration is inconclusive. Based on the available evidence, the clinical significance of this variant remains unclear.

NM_000368.5(TSC1):c.1649_1650delinsCT (p.Gln550Pro)

Gene: TSC1 (TSC complex subunit 1; minus strand). Cytogenetic location: 9q34.13.
Variant type: Indel.
Coding change: c.1649_1650delinsCT on transcript NM_000368.5 (MANE Select); coding-DNA positions 1649 to 1650, AA replaced by CT.
Protein change: p.Gln550Pro; replaces glutamine 550 with proline.
Molecular consequence: missense variant. On other transcripts: non-coding transcript variant (5).
Genome position (GRCh38, 1-based): chr9:132,905,928-132,905,929, TT replaced by AG on the plus strand (AA replaced by CT on the coding strand, the reverse complement: TSC1 is on the minus strand). VCF-style: chr9-132905928-TT-AG. GRCh37 (hg19) VCF-style: chr9-135781315-TT-AG.
Other names: c.1646_1647delinsCT, p.Gln549Pro (NM_001162426.2, NM_001406597.1, NM_001406598.1 and 6 more transcripts); c.1496_1497delinsCT, p.Gln499Pro (NM_001162427.2, NM_001406610.1); c.1286_1287delinsCT, p.Gln429Pro (NM_001362177.2, NM_001406615.1, NM_001406616.1 and 5 more transcripts); c.1649_1650delinsCT, p.Gln550Pro (NM_001406592.1, NM_001406593.1, NM_001406594.1 and 7 more transcripts); c.1283_1284delinsCT, p.Gln428Pro (NM_001406620.1, NM_001406621.1, NM_001406622.1 and 2 more transcripts); c.698_699delinsCT, p.Gln233Pro (NM_001406626.1); c.695_696delinsCT, p.Gln232Pro (NM_001406627.1, NM_001406628.1); c.596_597delinsCT, p.Gln199Pro (NM_001406629.1, NM_001406630.1); and 1 more; short protein forms Q429P, Q549P, Q550P, Q199P, Q498P, Q232P, Q499P, Q233P.
Identifiers: ClinVar variation 4841465 (VCV004841465.1).